The following is an entry in ClinVar:

ClinVar aggregate classification (germline): Likely benign. Review status: criteria provided, multiple submitters, no conflicts (2 of 4 stars). 2 submissions from 2 submitters: Likely benign (2). Last evaluated 2026-05-13.

Conditions:
Neurofibromatosis, type 1 (NF1). Also called: NEUROFIBROMATOSIS, TYPE I, SOMATIC; Peripheral type neurofibromatosis; VON RECKLINGHAUSEN DISEASE; Neurofibromatosis, type I. Identifiers: Orphanet 636, MedGen C0027831, MONDO:0018975, OMIM 162200. Disease mechanism: loss of function.

Allele frequency attached by ClinVar (database versions not stated): gnomAD 0.00001; gnomAD exomes below 0.00001; TOPMed 0.00001.
gnomAD v4.1: 3 of 1,604,478 alleles (0.00019%); highest among the groups gnomAD compares: African/African-American, 0.0027%; no homozygotes.

Submissions (2):

Myriad Genetics, Inc.
Classification: Likely benign for Neurofibromatosis, type 1. Last evaluated: 2026-05-13. Review status: criteria provided, single submitter. Criteria: Myriad Autosomal Dominant, Autosomal Recessive and X-Linked Classification Criteria (2023). Collection method: clinical testing. Allele origin: unknown.
Comment: This variant is considered likely benign. This variant is intronic and is not expected to impact mRNA splicing.

Labcorp Genetics (formerly Invitae), Labcorp
Classification: Likely benign for Neurofibromatosis, type 1. Last evaluated: 2026-01-04. Review status: criteria provided, single submitter. Criteria: Invitae Variant Classification Sherloc (09022015). Collection method: clinical testing. Allele origin: germline.

NM_001042492.3(NF1):c.5268+9C>T

Gene: NF1 (neurofibromin 1; plus strand). Cytogenetic location: 17q11.2.
Variant type: single nucleotide variant.
Coding change: c.5268+9C>T on transcript NM_001042492.3 (MANE Select); 9 bases into the intron after coding-DNA position 5268, C replaced by T.
Molecular consequence: intron variant.
Genome position (GRCh38, 1-based): chr17:31,326,261, C>T. VCF-style: chr17-31326261-C-T. GRCh37 (hg19) VCF-style: chr17-29653279-C-T.
Other names: c.5205+9C>T (NM_000267.4).
Identifiers: ClinVar variation 772827 (VCV000772827.10), dbSNP rs956188716, ClinGen allele CA289377605.